The following is an entry in ClinVar:

ClinVar aggregate classification (germline): Benign. Review status: criteria provided, multiple submitters, no conflicts (2 of 4 stars). 4 submissions from 4 submitters: Benign (3). 1 of the submissions does not count toward it. Last evaluated 2021-09-10.

Conditions:
TRPA1-related disorder. Also called: TRPA1-related condition.
Familial episodic pain syndrome with predominantly upper body involvement. Also called: Familial episodic pain syndrome 1. Identifiers: Orphanet 391384, Orphanet 391389, MedGen C3808667, MONDO:0014021, OMIM 615040.

Allele frequency attached by ClinVar (database versions not stated): gnomAD 0.13074 and 0.13893; 1000 Genomes Project 0.16014; ExAC 0.18148; gnomAD exomes 0.17881 and 0.17137; TOPMed 0.13129; ESP Exome Variant Server 0.13463; 1000 Genomes Project 30x 0.15397.
gnomAD v4.1: 262,338 of 1,557,990 alleles (17%); highest among the groups gnomAD compares: East Asian, 37%; 24,907 homozygotes.

Submissions (4):

Genome-Nilou Lab
Classification: Benign for Familial episodic pain syndrome with predominantly upper body involvement. Last evaluated: 2021-09-10. Review status: criteria provided, single submitter. Criteria: ACMG Guidelines, 2015. Collection method: clinical testing. Allele origin: germline. Affected: no.

Mayo Clinic Laboratories, Mayo Clinic
Classification: Benign. Last evaluated: 2017-07-24. Review status: criteria provided, single submitter. Criteria: ACMG Guidelines, 2015. Collection method: clinical testing. Allele origin: germline. Observed: 162 variant alleles.

Breakthrough Genomics
Classification: Benign. Review status: criteria provided, single submitter. Criteria: ACMG Guidelines, 2015. Collection method: not provided. Allele origin: germline. Inheritance: Autosomal dominant inheritance. Affected: yes.

PreventionGenetics, part of Exact Sciences
Classification: Benign for TRPA1-related condition. Last evaluated: 2019-11-19. Review status: no assertion criteria provided. Collection method: clinical testing. Allele origin: germline. Not counted in ClinVar's aggregate classification.
Comment: This variant is classified as benign based on ACMG/AMP sequence variant interpretation guidelines (Richards et al. 2015 PMID: 25741868, with internal and published modifications).

NM_007332.3(TRPA1):c.3053A>G (p.His1018Arg)

Genes: MSC-AS1 (MSC antisense RNA 1; plus strand), TRPA1 (transient receptor potential cation channel subfamily A member 1; minus strand). Cytogenetic location: 8q21.11.
Variant type: single nucleotide variant.
Coding change: c.3053A>G on transcript NM_007332.3 (MANE Select); coding-DNA position 3053, A replaced by G.
Protein change: p.His1018Arg; replaces histidine 1018 with arginine.
Molecular consequence: missense variant.
Genome position (GRCh38, 1-based): chr8:72,023,910, T>C on the plus strand (A>G on the coding strand, the complement: TRPA1 is on the minus strand). VCF-style: chr8-72023910-T-C. GRCh37 (hg19) VCF-style: chr8-72936145-T-C.
Other names: p.His1018Arg; c.3053A>G (NM_007332.2); short protein forms H1018R.
Identifiers: ClinVar variation 1342276 (VCV001342276.7), dbSNP rs959976, ClinGen allele CA4780321.
Genomic context (GRCh38, chr8:72,023,910, plus strand): 5'-TTATCAGCATTTGGTATTTCTTGTCTTATTTCCCCAGTGCAAAATAAAAAACAGAATATA[T>C]GCTGTCGGATAAAAAATAGTAGTTACTCAAATTGAATTCAATTCAGGAACTTTTTCTTAA-3'
Protein context (NP_015628.2, residues 1008-1028): NKPRSGGMLF[His1018Arg]IFCFLFCTGE